The following is an entry in ClinVar:

NM_033380.3(COL4A5):c.446C>T (p.Pro149Leu)

Gene: COL4A5 (collagen type IV alpha 5 chain; plus strand). Cytogenetic location: Xq22.3.
Variant type: single nucleotide variant.
Coding change: c.446C>T on transcript NM_033380.3 (MANE Select); coding-DNA position 446, C replaced by T.
Protein change: p.Pro149Leu; replaces proline 149 with leucine.
Molecular consequence: missense variant.
Genome position (GRCh38, 1-based): chrX:108,571,818, C>T. VCF-style: chrX-108571818-C-T. GRCh37 (hg19) VCF-style: chrX-107815048-C-T.
Other names: c.446C>T, p.Pro149Leu (NM_000495.5); short protein forms P149L.
Identifiers: ClinVar variation 3342277 (VCV003342277.1).

ClinVar aggregate classification (germline): Uncertain significance (1 of 4 stars; one submission).

Conditions:
X-linked Alport syndrome (ATS1). Also called: COL4A5-Related Nephropathy; NEPHROPATHY AND DEAFNESS, X-LINKED. Identifiers: Orphanet 63, Orphanet 88917, MedGen C4746986, MONDO:0010520, OMIM 301050.

Submission:

MVZ Medizinische Genetik Mainz
Classification: Uncertain significance for X-linked Alport syndrome. Last evaluated: 2024-09-02. Review status: criteria provided, single submitter. Criteria: UK Practice Guidelines For Variant Classification V4 01 2020. Collection method: clinical testing. Allele origin: germline. Inheritance: X-linked dominant inheritance. Observed: 1 variant allele.
Comment: ACMG Criteria: PM2_SUP,PP3,PP4